The following is an entry in ClinVar:

ClinVar aggregate classification (germline): Uncertain significance. Review status: criteria provided, multiple submitters, no conflicts (2 of 4 stars). 4 submissions from 4 submitters: Uncertain significance (4). Last evaluated 2025-01-24.

Conditions:
Hereditary diffuse gastric adenocarcinoma (HDGC). Also called: DIFFUSE GASTRIC AND LOBULAR BREAST CANCER SYNDROME. Identifiers: Orphanet 26106, MedGen C1708349, MONDO:0007648, OMIM 137215.
Hereditary cancer-predisposing syndrome. Also called: Neoplastic Syndromes, Hereditary; Hereditary neoplastic syndrome; Tumor predisposition; Hereditary Cancer Syndrome. Identifiers: Orphanet 140162, MedGen C0027672, MeSH D009386, MONDO:0015356.

Submissions (4):

Quest Diagnostics Nichols Institute San Juan Capistrano
Classification: Uncertain significance. Last evaluated: 2025-01-24. Review status: criteria provided, single submitter. Criteria: Quest Diagnostics criteria. Collection method: clinical testing. Allele origin: unknown.
Comment: The CDH1 c.428C>T (p.Pro143Leu) variant has not been reported in individuals with CDH1-related conditions in the published literature. It also has not been reported in large, multi-ethnic general populations (Genome Aggregation Database). Analysis of this variant using bioinformatics tools for the prediction of the effect of amino acid changes on protein structure and function yielded predictions that this variant is benign. Based on the available information, we are unable to determine the clinical significance of this variant.

Ambry Genetics
Classification: Uncertain significance for Hereditary cancer-predisposing syndrome. Last evaluated: 2025-01-02. Review status: criteria provided, single submitter. Criteria: Ambry Variant Classification Scheme 2023. Collection method: clinical testing. Allele origin: germline.
Comment: The p.P143L variant (also known as c.428C>T), located in coding exon 4 of the CDH1 gene, results from a C to T substitution at nucleotide position 428. The proline at codon 143 is replaced by leucine, an amino acid with similar properties. This amino acid position is well conserved in available vertebrate species. In addition, this alteration is predicted to be tolerated by in silico analysis. Based on the available evidence, the clinical significance of this variant remains unclear.

Labcorp Genetics (formerly Invitae), Labcorp
Classification: Uncertain significance for Hereditary diffuse gastric adenocarcinoma. Last evaluated: 2024-04-11. Review status: criteria provided, single submitter. Criteria: Invitae Variant Classification Sherloc (09022015). Collection method: clinical testing. Allele origin: germline.
Comment: This sequence change replaces proline, which is neutral and non-polar, with leucine, which is neutral and non-polar, at codon 143 of the CDH1 protein (p.Pro143Leu). This variant is not present in population databases (gnomAD no frequency). This variant has not been reported in the literature in individuals affected with CDH1-related conditions. ClinVar contains an entry for this variant (Variation ID: 532471). An algorithm developed to predict the effect of missense changes on protein structure and function (PolyPhen-2) suggests that this variant is likely to be disruptive. In summary, the available evidence is currently insufficient to determine the role of this variant in disease. Therefore, it has been classified as a Variant of Uncertain Significance.

Color Diagnostics, LLC DBA Color Health
Classification: Uncertain significance for Hereditary cancer-predisposing syndrome. Last evaluated: 2023-12-04. Review status: criteria provided, single submitter. Criteria: ACMG Guidelines, 2015. Collection method: clinical testing. Allele origin: germline.
Comment: This missense variant replaces proline with leucine at codon 143 of the CDH1 protein. Splice site prediction tools suggest that this variant may not impact RNA splicing. To our knowledge, functional studies have not been reported for this variant. This variant has not been reported in individuals affected with hereditary cancer in the literature. This variant has not been identified in the general population by the Genome Aggregation Database (gnomAD). The available evidence is insufficient to determine the role of this variant in disease conclusively. Therefore, this variant is classified as a Variant of Uncertain Significance.

NM_004360.5(CDH1):c.428C>T (p.Pro143Leu)

Gene: CDH1 (cadherin 1; plus strand). Cytogenetic location: 16q22.1.
Variant type: single nucleotide variant.
Coding change: c.428C>T on transcript NM_004360.5 (MANE Select); coding-DNA position 428, C replaced by T.
Protein change: p.Pro143Leu; replaces proline 143 with leucine.
Molecular consequence: missense variant. On other transcripts: 5 prime UTR variant (2).
Genome position (GRCh38, 1-based): chr16:68,808,464, C>T. VCF-style: chr16-68808464-C-T. GRCh37 (hg19) VCF-style: chr16-68842367-C-T.
Other names: c.428C>T (LRG_301t1); c.428C>T, p.Pro143Leu (NM_001317184.2); c.-1188C>T (NM_001317185.2); c.-1392C>T (NM_001317186.2); short protein forms P143L.
Identifiers: ClinVar variation 532471 (VCV000532471.18), dbSNP rs777714207, ClinGen allele CA396457599.
Genomic context (GRCh38, chr16:68,808,464, plus strand): 5'-CTCATCTTCTTTCCTTTTAGGCCTCCGTTTCTGGAATCCAAGCAGAATTGCTCACATTTC[C>T]CAACTCCTCTCCTGGCCTCAGAAGACAGAAGAGAGACTGGGTTATTCCTCCCATCAGCTG-3'
Protein context (NP_004351.1, residues 133-153): SGIQAELLTF[Pro143Leu]NSSPGLRRQK